The following is an entry in ClinVar:

NM_052876.4(NACC1):c.1556C>T (p.Ala519Val)

Gene: NACC1 (nucleus accumbens associated 1; plus strand). Cytogenetic location: 19p13.13.
Variant type: single nucleotide variant.
Coding change: c.1556C>T on transcript NM_052876.4 (MANE Select); coding-DNA position 1556, C replaced by T.
Protein change: p.Ala519Val; replaces alanine 519 with valine.
Molecular consequence: missense variant.
Genome position (GRCh38, 1-based): chr19:13,138,378, C>T. VCF-style: chr19-13138378-C-T. GRCh37 (hg19) VCF-style: chr19-13249192-C-T.
Other names: short protein forms A519V.
Identifiers: ClinVar variation 1407483 (VCV001407483.8), dbSNP rs781523419, ClinGen allele CA9238558.

ClinVar aggregate classification (germline): Likely benign. Review status: criteria provided, multiple submitters, no conflicts (2 of 4 stars). 2 submissions from 2 submitters: Likely benign (2). Last evaluated 2025-12-01.

Allele frequency attached by ClinVar (database versions not stated): gnomAD exomes 0.00002 and 0.00003; TOPMed 0.00002; ExAC 0.00003.
gnomAD v4.1: 24 of 1,612,326 alleles (0.0015%); highest among the groups gnomAD compares: Admixed American, 0.0067%; no homozygotes.

Submissions (2):

Labcorp Genetics (formerly Invitae), Labcorp
Classification: Likely benign. Last evaluated: 2025-12-01. Review status: criteria provided, single submitter. Criteria: Invitae Variant Classification Sherloc (09022015). Collection method: clinical testing. Allele origin: germline.

Women's Health and Genetics/Laboratory Corporation of America, LabCorp
Classification: Likely benign. Last evaluated: 2023-10-18. Review status: criteria provided, single submitter. Criteria: LabCorp Variant Classification Summary - May 2015. Collection method: clinical testing. Allele origin: germline.
Comment: Variant summary: NACC1 c.1556C>T (p.Ala519Val) results in a non-conservative amino acid change in the encoded protein sequence. Two of four in-silico tools predict a benign effect of the variant on protein function. The variant allele was found at a frequency of 3.2e-05 (i.e. 8 carriers) in 248698 control chromosomes (gnomAD), suggesting it is not causal for a penetrant, severe, early onset dominant condition. To our knowledge, no occurrence of c.1556C>T in individuals affected with Neurodevelopmental Disorder With Epilepsy, Cataracts, Feeding Difficulties, And Delayed Brain Myelination and no experimental evidence demonstrating its impact on protein function have been reported. One submitter has cited clinical-significance assessments for this variant to ClinVar after 2014 and has classified the variant as likely benign. Based on the evidence outlined above, the variant was classified as likely benign.